The following is an entry in ClinVar:

ClinVar aggregate classification (germline): Uncertain significance. Review status: criteria provided, multiple submitters, no conflicts (2 of 4 stars). 2 submissions from 2 submitters: Uncertain significance (2). Last evaluated 2025-09-21.

Allele frequency attached by ClinVar (database versions not stated): gnomAD exomes 0.00001 and 0.00003; ExAC 0.00002; gnomAD 0.00002; TOPMed 0.00006.
gnomAD v4.1: 21 of 1,614,012 alleles (0.0013%); highest among the groups gnomAD compares: African/African-American, 0.008%; no homozygotes.

Submissions (2):

Ambry Genetics
Classification: Uncertain significance. Last evaluated: 2025-09-21. Review status: criteria provided, single submitter. Criteria: Ambry Variant Classification Scheme 2023. Collection method: clinical testing. Allele origin: germline.

Labcorp Genetics (formerly Invitae), Labcorp
Classification: Uncertain significance. Last evaluated: 2025-03-26. Review status: criteria provided, single submitter. Criteria: Invitae Variant Classification Sherloc (09022015). Collection method: clinical testing. Allele origin: germline.
Comment: This sequence change replaces glycine, which is neutral and non-polar, with serine, which is neutral and polar, at codon 173 of the TIMP3 protein (p.Gly173Ser). This variant is present in population databases (rs773990898, gnomAD 0.01%). This variant has not been reported in the literature in individuals affected with TIMP3-related conditions. ClinVar contains an entry for this variant (Variation ID: 848924). An algorithm developed to predict the effect of missense changes on protein structure and function (PolyPhen-2) suggests that this variant is likely to be disruptive. In summary, the available evidence is currently insufficient to determine the role of this variant in disease. Therefore, it has been classified as a Variant of Uncertain Significance.

NM_000362.5(TIMP3):c.517G>A (p.Gly173Ser)

Genes: TIMP3 (TIMP metallopeptidase inhibitor 3; plus strand), SYN3 (synapsin III; minus strand). Cytogenetic location: 22q12.3.
Variant type: single nucleotide variant.
Coding change: c.517G>A on transcript NM_000362.5 (MANE Select); coding-DNA position 517, G replaced by A.
Protein change: p.Gly173Ser; replaces glycine 173 with serine.
Molecular consequence: missense variant. On other transcripts: intron variant (7).
Genome position (GRCh38, 1-based): chr22:32,859,258, G>A. VCF-style: chr22-32859258-G-A. GRCh37 (hg19) VCF-style: chr22-33255245-G-A.
Other names: c.708+5657C>T (NM_001369909.1, NM_001135774.2, NM_001369910.1); c.711+5657C>T (NM_001369907.1, NM_003490.4, NM_001369908.1 and 1 more transcripts); short protein forms G173S.
Identifiers: ClinVar variation 848924 (VCV000848924.8), dbSNP rs773990898, ClinGen allele CA10202280.